The following is an entry in ClinVar:

NM_001348716.2(KDM6B):c.4436ACA[1] (p.Asn1480del)

Genes: KDM6B (lysine demethylase 6B; plus strand), LOC121587574 (Sharpr-MPRA regulatory region 3930; plus strand). Cytogenetic location: 17p13.1.
Variant type: Microsatellite.
Coding change: c.4436ACA[1] on transcript NM_001348716.2 (MANE Select); one copy of the 3-base unit ACA starting at c.4436; the reference has two copies in a row; one copy, 3 bases deleted; also written c.4439_4441del.
Protein change: p.Asn1480del; deletes asparagine 1480.
Molecular consequence: inframe deletion.
Genome position (GRCh38, 1-based): chr17:7,852,307-7,852,309, ACA deleted; deleting any 3 consecutive bases within chr17:7,852,302-7,852,309 gives the same sequence; the position shown is the placement nearest the transcript's 3' end. VCF-style (leftmost placement, unchanged base first): chr17-7852301-GCAA-G. GRCh37 (hg19) VCF-style: chr17-7755619-GCAA-G.
Other names: c.4436ACA[1], p.Asn1480del (NM_001080424.2); c.4439_4441del (NM_001348716.2); short protein forms N1480del.
Identifiers: ClinVar variation 4539017 (VCV004539017.1).

ClinVar aggregate classification (germline): Likely pathogenic (1 of 4 stars; one submission).

Conditions:
Neurodevelopmental disorder with coarse facies and mild distal skeletal abnormalities. Also called: STOLERMAN NEURODEVELOPMENTAL SYNDROME. Identifiers: MedGen C5193134, MONDO:0032790, OMIM 618505.

Submission:

Institute of Human Genetics, FAU Erlangen, Friedrich-Alexander-Universität Erlangen-Nürnberg
Classification: Likely pathogenic for Neurodevelopmental disorder with coarse facies and mild distal skeletal abnormalities. Last evaluated: 2025-12-29. Review status: criteria provided, single submitter. Criteria: Hauer et al. (Genet Med. 2018). Collection method: clinical testing. Allele origin: germline. Inheritance: Autosomal dominant inheritance. Affected: yes. Observed: 1 variant allele.
Comment: This variant has been identified by standard clinical testing. PM1-strong, PM2-supporting, PS2-supporting Selected ACMG criteria: Likely pathogenic (II):PM2;PM1;PS2